The following is an entry in ClinVar:

NM_080680.3(COL11A2):c.572T>G (p.Phe191Cys)

Gene: COL11A2 (collagen type XI alpha 2 chain; minus strand). Cytogenetic location: 6p21.32.
Variant type: single nucleotide variant.
Coding change: c.572T>G on transcript NM_080680.3 (MANE Select); coding-DNA position 572, T replaced by G.
Protein change: p.Phe191Cys; replaces phenylalanine 191 with cysteine.
Molecular consequence: missense variant. On other transcripts: 5 prime UTR variant (3), non-coding transcript variant (1).
Genome position (GRCh38, 1-based): chr6:33,188,396, A>C on the plus strand (T>G on the coding strand, the complement: COL11A2 is on the minus strand). VCF-style: chr6-33188396-A-C. GRCh37 (hg19) VCF-style: chr6-33156173-A-C.
Other names: c.572T>G, p.Phe191Cys (NM_001163771.2, NM_001424108.1, NM_080679.3 and 1 more transcripts); c.-275T>G (NM_001424109.1, NM_001424110.1, NM_001424111.1); short protein forms F191C.
Identifiers: ClinVar variation 2789080 (VCV002789080.3), dbSNP rs2535534124, ClinGen allele CA363611296.
Genomic context (GRCh38, chr6:33,188,396, plus strand): 5'-ATCCTGCCTCTGATTGCTCTGGTTACCTCAAAGACTTCTTCATCCAGAATACGGGCACCA[A>C]AGATGATCACTCCATGGGTGTCCAATACTGGACGAGCACTTCGGGGGAGAGGCCGGGTGA-3'
Protein context (NP_542411.2, residues 181-201): PVLDTHGVII[Phe191Cys]GARILDEEVF

ClinVar aggregate classification (germline): Uncertain significance (1 of 4 stars; one submission).

Allele frequency attached by ClinVar (database versions not stated): gnomAD exomes 0.00001.
gnomAD v4.1: 14 of 1,613,088 alleles (0.00087%); highest among the groups gnomAD compares: Non-Finnish European, 0.0012%; no homozygotes.

Submission:

Labcorp Genetics (formerly Invitae), Labcorp
Classification: Uncertain significance. Last evaluated: 2023-09-20. Review status: criteria provided, single submitter. Criteria: Invitae Variant Classification Sherloc (09022015). Collection method: clinical testing. Allele origin: germline.
Comment: This sequence change replaces phenylalanine, which is neutral and non-polar, with cysteine, which is neutral and slightly polar, at codon 191 of the COL11A2 protein (p.Phe191Cys). This variant is not present in population databases (gnomAD no frequency). This variant has not been reported in the literature in individuals affected with COL11A2-related conditions. Advanced modeling of protein sequence and biophysical properties (such as structural, functional, and spatial information, amino acid conservation, physicochemical variation, residue mobility, and thermodynamic stability) performed at Invitae indicates that this missense variant is not expected to disrupt COL11A2 protein function. In summary, the available evidence is currently insufficient to determine the role of this variant in disease. Therefore, it has been classified as a Variant of Uncertain Significance.